The following is an entry in ClinVar:

NM_000553.6(WRN):c.2629A>G (p.Arg877Gly)

Gene: WRN (WRN RecQ like helicase; plus strand). Cytogenetic location: 8p12.
Variant type: single nucleotide variant.
Coding change: c.2629A>G on transcript NM_000553.6 (MANE Select); coding-DNA position 2629, A replaced by G.
Protein change: p.Arg877Gly; replaces arginine 877 with glycine.
Molecular consequence: missense variant.
Genome position (GRCh38, 1-based): chr8:31,120,423, A>G. VCF-style: chr8-31120423-A-G. GRCh37 (hg19) VCF-style: chr8-30977939-A-G.
Other names: short protein forms R877G.
Identifiers: ClinVar variation 950318 (VCV000950318.6), dbSNP rs1801681446, ClinGen allele CA370915883.

ClinVar aggregate classification (germline): Uncertain significance (1 of 4 stars; one submission).

Conditions:
Werner syndrome (WRN). Identifiers: Orphanet 902, MedGen C0043119, MONDO:0010196, OMIM 277700.

Allele frequency attached by ClinVar (database versions not stated): gnomAD exomes below 0.00001.

Submission:

Labcorp Genetics (formerly Invitae), Labcorp
Classification: Uncertain significance for Werner syndrome. Last evaluated: 2021-11-27. Review status: criteria provided, single submitter. Criteria: Invitae Variant Classification Sherloc (09022015). Collection method: clinical testing. Allele origin: germline.
Comment: In summary, the available evidence is currently insufficient to determine the role of this variant in disease. Therefore, it has been classified as a Variant of Uncertain Significance. Algorithms developed to predict the effect of sequence changes on RNA splicing suggest that this variant may disrupt the consensus splice site. Algorithms developed to predict the effect of missense changes on protein structure and function are either unavailable or do not agree on the potential impact of this missense change (SIFT: "Not Available"; PolyPhen-2: "Possibly Damaging"; Align-GVGD: "Not Available"). ClinVar contains an entry for this variant (Variation ID: 950318). This variant has not been reported in the literature in individuals affected with WRN-related conditions. This variant is not present in population databases (gnomAD no frequency). This sequence change replaces arginine, which is basic and polar, with glycine, which is neutral and non-polar, at codon 877 of the WRN protein (p.Arg877Gly).